The following is an entry in ClinVar:

ClinVar aggregate classification (germline): Uncertain significance. Review status: criteria provided, multiple submitters, no conflicts (2 of 4 stars). 3 submissions from 3 submitters: Uncertain significance (3). Last evaluated 2025-11-06.

Allele frequency attached by ClinVar (database versions not stated): gnomAD exomes 0.00007 and 0.00009; gnomAD 0.00009 and 0.00011; TOPMed 0.00011; ExAC 0.00026; 1000 Genomes Project 0.00060; 1000 Genomes Project 30x 0.00078.
gnomAD v4.1: 119 of 1,527,606 alleles (0.0078%); highest among the groups gnomAD compares: East Asian, 0.02%; no homozygotes.

Submissions (3):

Ambry Genetics
Classification: Uncertain significance. Last evaluated: 2025-11-06. Review status: criteria provided, single submitter. Criteria: Ambry Variant Classification Scheme 2023. Collection method: clinical testing. Allele origin: germline.

Labcorp Genetics (formerly Invitae), Labcorp
Classification: Uncertain significance. Last evaluated: 2025-01-27. Review status: criteria provided, single submitter. Criteria: Invitae Variant Classification Sherloc (09022015). Collection method: clinical testing. Allele origin: germline.
Comment: This sequence change replaces arginine, which is basic and polar, with tryptophan, which is neutral and slightly polar, at codon 258 of the DTHD1 protein (p.Arg258Trp). This variant is present in population databases (rs189410090, gnomAD 0.03%). This variant has not been reported in the literature in individuals affected with DTHD1-related conditions. ClinVar contains an entry for this variant (Variation ID: 844996). An algorithm developed to predict the effect of missense changes on protein structure and function outputs the following: PolyPhen-2: "Benign". The tryptophan amino acid residue is found in multiple mammalian species, which suggests that this missense change does not adversely affect protein function. In summary, the available evidence is currently insufficient to determine the role of this variant in disease. Therefore, it has been classified as a Variant of Uncertain Significance.

Blueprint Genetics
Classification: Uncertain significance. Last evaluated: 2022-08-03. Review status: criteria provided, single submitter. Criteria: ACMG Guidelines, 2015. Collection method: clinical testing. Allele origin: germline.

NM_001170700.3(DTHD1):c.1642C>T (p.Arg548Trp)

Gene: DTHD1 (death domain containing 1; plus strand). Cytogenetic location: 4p14.
Variant type: single nucleotide variant.
Coding change: c.1642C>T on transcript NM_001170700.3 (MANE Select); coding-DNA position 1642, C replaced by T.
Protein change: p.Arg548Trp; replaces arginine 548 with tryptophan.
Molecular consequence: missense variant. On other transcripts: non-coding transcript variant (2).
Genome position (GRCh38, 1-based): chr4:36,295,038, C>T. VCF-style: chr4-36295038-C-T. GRCh37 (hg19) VCF-style: chr4-36296660-C-T.
Other names: c.772C>T, p.Arg258Trp (NM_001136536.5); c.709C>T, p.Arg237Trp (NM_001378435.1); c.1267C>T (NM_001170700.1); short protein forms R548W, R237W, R258W.
Identifiers: ClinVar variation 844996 (VCV000844996.11), dbSNP rs189410090, ClinGen allele CA2885657.
Genomic context (GRCh38, chr4:36,295,038, plus strand): 5'-ATAGATCATAAAAGAAGAGCAAGTGCCACAATAAATAGGATTACACCTTCGTATTTCAAC[C>T]GGTGAGTAAGTTTCTAATATTGTAAACTGGCTTAATGTCAAACAAAGAAGCTTAGATGAT-3'
Protein context (NP_001164171.2, residues 538-558): INRITPSYFN[Arg548Trp]TKIASIRKPR